The following is an entry in ClinVar:

NM_000268.4(NF2):c.1565A>T (p.Glu522Val)

Gene: NF2 (NF2, moesin-ezrin-radixin like (MERLIN) tumor suppressor; plus strand). Cytogenetic location: 22q12.2.
Variant type: single nucleotide variant.
Coding change: c.1565A>T on transcript NM_000268.4 (MANE Select); coding-DNA position 1565, A replaced by T.
Protein change: p.Glu522Val; replaces glutamic acid 522 with valine.
Molecular consequence: missense variant. On other transcripts: non-coding transcript variant (1), intron variant (1).
Genome position (GRCh38, 1-based): chr22:29,678,314, A>T. VCF-style: chr22-29678314-A-T. GRCh37 (hg19) VCF-style: chr22-30074303-A-T.
Other names: c.1451A>T, p.Glu484Val (NM_001407053.1, NM_001407056.1); c.1442A>T, p.Glu481Val (NM_001407054.1, NM_001407058.1, NM_181829.3); c.1439A>T, p.Glu480Val (NM_001407055.1, NM_181828.3); c.1430A>T, p.Glu477Val (NM_001407057.1, NM_001407059.1); c.1565A>T, p.Glu522Val (NM_001407060.1, NM_001407066.1, NM_016418.5 and 2 more transcripts); c.1307A>T, p.Glu436Val (NM_001407062.1); c.1316A>T, p.Glu439Val (NM_001407063.1, NM_001407064.1, NM_181830.3 and 1 more transcripts); c.1031A>T, p.Glu344Val (NM_001407065.1); and 2 more; short protein forms E344V, E484V, E522V, E439V, E445V, E481V, E436V, E477V.
Identifiers: ClinVar variation 2726091 (VCV002726091.3), dbSNP rs2518713868, ClinGen allele CA411149799.

ClinVar aggregate classification (germline): Uncertain significance (1 of 4 stars; one submission).

Conditions:
Neurofibromatosis, type 2 (SWNV). Also called: SCHWANNOMATOSIS, VESTIBULAR; BILATERAL ACOUSTIC NEUROFIBROMATOSIS; NF2-Related Schwannomatosis. Identifiers: Orphanet 637, MedGen C0027832, MONDO:0007039, OMIM 101000. Disease mechanism: loss of function.

Submission:

Labcorp Genetics (formerly Invitae), Labcorp
Classification: Uncertain significance for Neurofibromatosis, type 2. Last evaluated: 2023-03-26. Review status: criteria provided, single submitter. Criteria: Invitae Variant Classification Sherloc (09022015). Collection method: clinical testing. Allele origin: germline.
Comment: In summary, the available evidence is currently insufficient to determine the role of this variant in disease. Therefore, it has been classified as a Variant of Uncertain Significance. This sequence change replaces glutamic acid, which is acidic and polar, with valine, which is neutral and non-polar, at codon 522 of the NF2 protein (p.Glu522Val). This variant is not present in population databases (gnomAD no frequency). This variant has not been reported in the literature in individuals affected with NF2-related conditions. Advanced modeling of protein sequence and biophysical properties (such as structural, functional, and spatial information, amino acid conservation, physicochemical variation, residue mobility, and thermodynamic stability) performed at Invitae indicates that this missense variant is not expected to disrupt NF2 protein function.